The following is an entry in ClinVar:

ClinVar aggregate classification (germline): Uncertain significance (1 of 4 stars; one submission).

Conditions:
Fanconi anemia (FA). Also called: Fanconi's anemia. Identifiers: Orphanet 84, MedGen C0015625, MeSH D005199, MONDO:0019391.

gnomAD v4.1: 1 of 1,613,944 alleles (0.000062%); highest among the groups gnomAD compares: Non-Finnish European, 0.000085%; no homozygotes.

Submission:

Labcorp Genetics (formerly Invitae), Labcorp
Classification: Uncertain significance for Fanconi anemia. Last evaluated: 2024-03-12. Review status: criteria provided, single submitter. Criteria: Invitae Variant Classification Sherloc (09022015). Collection method: clinical testing. Allele origin: germline.
Comment: This sequence change replaces alanine, which is neutral and non-polar, with glycine, which is neutral and non-polar, at codon 1305 of the SLX4 protein (p.Ala1305Gly). This variant is present in population databases (no rsID available, gnomAD 0.0009%). This variant has not been reported in the literature in individuals affected with SLX4-related conditions. An algorithm developed to predict the effect of missense changes on protein structure and function (PolyPhen-2) suggests that this variant is likely to be tolerated. In summary, the available evidence is currently insufficient to determine the role of this variant in disease. Therefore, it has been classified as a Variant of Uncertain Significance.

NM_032444.4(SLX4):c.3914C>G (p.Ala1305Gly)

Gene: SLX4 (SLX4 structure-specific endonuclease subunit; minus strand). Cytogenetic location: 16p13.3.
Variant type: single nucleotide variant.
Coding change: c.3914C>G on transcript NM_032444.4 (MANE Select); coding-DNA position 3914, C replaced by G.
Protein change: p.Ala1305Gly; replaces alanine 1305 with glycine.
Molecular consequence: missense variant.
Genome position (GRCh38, 1-based): chr16:3,589,724, G>C on the plus strand (C>G on the coding strand, the complement: SLX4 is on the minus strand). VCF-style: chr16-3589724-G-C. GRCh37 (hg19) VCF-style: chr16-3639725-G-C.
Other names: short protein forms A1305G.
Identifiers: ClinVar variation 3645439 (VCV003645439.2).